The following is an entry in ClinVar:

NM_001134407.3(GRIN2A):c.2695C>A (p.Arg899=)

Gene: GRIN2A (glutamate ionotropic receptor NMDA type subunit 2A; minus strand). Cytogenetic location: 16p13.2.
Variant type: single nucleotide variant.
Coding change: c.2695C>A on transcript NM_001134407.3 (MANE Select); coding-DNA position 2695, C replaced by A.
Protein change: p.Arg899=; no amino-acid change (arginine 899 retained).
Molecular consequence: synonymous variant.
Genome position (GRCh38, 1-based): chr16:9,764,849, G>T on the plus strand (C>A on the coding strand, the complement: GRIN2A is on the minus strand). VCF-style: chr16-9764849-G-T. GRCh37 (hg19) VCF-style: chr16-9858706-G-T.
Other names: c.2695C>A, p.Arg899= (NM_000833.5, NM_001134408.2).
Identifiers: ClinVar variation 871809 (VCV000871809.43), dbSNP rs796052553, ClinGen allele CA493693597.
Genomic context (GRCh38, chr16:9,764,849, plus strand): 5'-TGGGTGAGTCCATTCTTGAGGAGTTCATGTTGGACATGCTGGAAATGTTTTTGGCTGACC[G>T]GAGGAGTTTTAACATGTTGCTCTGGGATCCCGTCAGATTGAAGTCTGGAGACTTCTTCTT-3'
Protein context (NP_001127879.1, residues 889-909): GSQSNMLKLL[Arg899=]SAKNISSMSN

ClinVar aggregate classification (germline): Uncertain significance. Review status: criteria provided, multiple submitters, no conflicts (2 of 4 stars). 2 submissions from 2 submitters: Uncertain significance (2). Last evaluated 2024-12-30.

Conditions:
Landau-Kleffner syndrome (FESD). Also called: APHASIA, ACQUIRED, WITH EPILEPSY; EPILEPSY, FOCAL, WITH SPEECH DISORDER AND WITH OR WITHOUT MENTAL RETARDATION. Identifiers: Orphanet 1945, Orphanet 725, Orphanet 98818, MedGen C0282512, MONDO:0009509, OMIM 245570.

gnomAD v4.1: 4 of 1,614,164 alleles (0.00025%); highest among the groups gnomAD compares: Non-Finnish European, 0.00034%; no homozygotes.

Submissions (2):

Labcorp Genetics (formerly Invitae), Labcorp
Classification: Uncertain significance for Landau-Kleffner syndrome. Last evaluated: 2024-12-30. Review status: criteria provided, single submitter. Criteria: Invitae Variant Classification Sherloc (09022015). Collection method: clinical testing. Allele origin: germline.
Comment: This sequence change affects codon 899 of the GRIN2A mRNA. It is a 'silent' change, meaning that it does not change the encoded amino acid sequence of the GRIN2A protein. This variant is not present in population databases (gnomAD no frequency). This variant has not been reported in the literature in individuals affected with GRIN2A-related conditions. ClinVar contains an entry for this variant (Variation ID: 871809). Algorithms developed to predict the effect of sequence changes on RNA splicing suggest that this variant may create or strengthen a splice site. In summary, the available evidence is currently insufficient to determine the role of this variant in disease. Therefore, it has been classified as a Variant of Uncertain Significance.

CeGaT Center for Human Genetics Tuebingen
Classification: Uncertain significance. Last evaluated: 2019-10-01. Review status: criteria provided, single submitter. Criteria: CeGaT Center For Human Genetics Tuebingen Variant Classification Criteria Version 2. Collection method: clinical testing. Allele origin: germline. Affected: yes. Observed: 2 variant alleles.